The following is an entry in ClinVar:

NM_024675.4(PALB2):c.104T>C (p.Leu35Pro)

Gene: PALB2 (partner and localizer of BRCA2; minus strand). Cytogenetic location: 16p12.2.
Variant type: single nucleotide variant.
Coding change: c.104T>C on transcript NM_024675.4 (MANE Select); coding-DNA position 104, T replaced by C.
Protein change: p.Leu35Pro; replaces leucine 35 with proline.
Molecular consequence: missense variant.
Genome position (GRCh38, 1-based): chr16:23,638,074, A>G on the plus strand (T>C on the coding strand, the complement: PALB2 is on the minus strand). VCF-style: chr16-23638074-A-G. GRCh37 (hg19) VCF-style: chr16-23649395-A-G.
Other names: NM_024675.4(PALB2):c.104T>C; p.Leu35Pro; short protein forms L35P.
Identifiers: ClinVar variation 657328 (VCV000657328.19), dbSNP rs141047069, ClinGen allele CA279502031.

ClinVar aggregate classification (germline): Uncertain significance. Review status: reviewed by expert panel (3 of 4 stars). 5 submissions from 5 submitters: Uncertain significance (1). 4 of the submissions do not count toward it. Last evaluated 2022-09-15.

Conditions:
PALB2-related cancer predisposition. Identifiers: MedGen CN377761, MONDO:0700272.
Hereditary cancer-predisposing syndrome. Also called: Hereditary neoplastic syndrome; Tumor predisposition; Neoplastic Syndromes, Hereditary; Hereditary Cancer Syndrome. Identifiers: Orphanet 140162, MedGen C0027672, MeSH D009386, MONDO:0015356.
Familial cancer of breast. Also called: Hereditary breast cancer; hereditary breast carcinoma; BREAST CANCER, FAMILIAL. Identifiers: Orphanet 227535, MedGen C0346153, MONDO:0016419, OMIM 114480. Disease mechanism: loss of function.

Allele frequency attached by ClinVar (database versions not stated): gnomAD exomes below 0.00001; ESP Exome Variant Server 0.00008.
gnomAD v4.1: 1 of 1,613,900 alleles (0.000062%); highest among the groups gnomAD compares: Non-Finnish European, 0.000085%; no homozygotes.

Submissions (5):

ClinGen Hereditary Breast, Ovarian and Pancreatic Cancer Variant Curation Expert Panel, ClinGen
Classification: Uncertain significance for PALB2-related cancer predisposition. Last evaluated: 2022-09-15. Review status: reviewed by expert panel. Criteria: ClinGen HBOP ACMG Specifications PALB2 V1.1.0. Collection method: curation. Allele origin: germline. Inheritance: Autosomal dominant inheritance.
Comment: The c.104T>C variant in PALB2 is a missense variant predicted to cause substitution of leucine by proline at amino acid 35 (p.Leu35Pro). This variant is absent in gnomAD v2.1.1. The variant has been reported to segregate with breast cancer in 3 affected family members from one family (PMID: 28319063). This variant is non-functional in multiple protein assays (PMID: 31586400; 31636395; 31757951); however, due to a lack of positive missense controls with known clinical impact, these assays do not meet the requirements for use by the HBOP VCEP. PALB2, in which the variant was identified, is defined by the HBOP VCEP as a gene for which primarily truncating variants are known to cause disease. In summary, this variant meets the criteria to be classified as a variant of uncertain significance for a autosomal dominant hereditary breast and pancreatic cancer and autosomal recessive FANCN based on the ACMG/AMP criteria applied as specified by the HBOP VCEP. (PM2_Supporting, PP1, BP1)

Labcorp Genetics (formerly Invitae), Labcorp
Classification: Likely pathogenic for Familial cancer of breast. Last evaluated: 2026-01-28. Review status: criteria provided, single submitter. Criteria: Invitae Variant Classification Sherloc (09022015). Collection method: clinical testing. Allele origin: germline. Not counted in ClinVar's aggregate classification.
Comment: This sequence change replaces leucine, which is neutral and non-polar, with proline, which is neutral and non-polar, at codon 35 of the PALB2 protein (p.Leu35Pro). This variant is not present in population databases (gnomAD no frequency). This missense change has been observed in individual(s) with breast cancer (PMID: 28319063). It has also been observed to segregate with disease in related individuals. ClinVar contains an entry for this variant (Variation ID: 657328). An algorithm developed to predict the effect of missense changes on protein structure and function (PolyPhen-2) suggests that this variant is likely to be disruptive. Experimental studies have shown that this missense change affects PALB2 function (PMID: 28319063, 30337689, 31586400, 31636395, 31757951, 33169439, 33964450). In summary, the currently available evidence indicates that the variant is pathogenic, but additional data are needed to prove that conclusively. Therefore, this variant has been classified as Likely Pathogenic.

Ambry Genetics
Classification: Uncertain significance for Hereditary cancer-predisposing syndrome. Last evaluated: 2025-04-07. Review status: criteria provided, single submitter. Criteria: Ambry Variant Classification Scheme 2023. Collection method: clinical testing. Allele origin: germline. Not counted in ClinVar's aggregate classification.
Comment: The p.L35P variant (also known as c.104T>C), located in coding exon 2 of the PALB2 gene, results from a T to C substitution at nucleotide position 104. The leucine at codon 35 is replaced by proline, an amino acid with similar properties. A functional assay demonstrated that p.L35P results in defects in activation and maintenance of the G2/M cell cycle checkpoint, which is involved in regulating response to DNA damage from ionizing radiation (Simhadri S et al. Oncogene, 2019 03;38:1585-1596). Additionally, functional assays have demonstrated that this alteration disrupts homlogy directed repair activity, confers sensitivity to PARP inhibitors, reduces RAD51 foci formation in response to DNA damage, and significantly diminshes complex formation with BRCA1 and BRCA2 (Wiltshire T et al. Genet. Med., 2019 Oct; Boonen RACM et al. Nat Commun, 2019 Nov;10:5296; Foo TK et al. Oncogene, 2017 07;36:4161-4170). This amino acid position is highly conserved in available vertebrate species. In addition, this alteration is predicted to be deleterious by in silico analysis. Since supporting evidence is still limited at this time, the clinical significance of this alteration remains unclear.

Color Diagnostics, LLC DBA Color Health
Classification: Uncertain significance for Hereditary cancer-predisposing syndrome. Last evaluated: 2023-09-19. Review status: criteria provided, single submitter. Criteria: ACMG Guidelines, 2015. Collection method: clinical testing. Allele origin: germline. Not counted in ClinVar's aggregate classification.
Comment: This missense variant replaces leucine with proline at codon 35 of the PALB2 protein. Computational prediction suggests that this variant may not impact protein structure and function (internally defined REVEL score threshold <= 0.5, PMID: 27666373). Functional studies have reported that this variant impacts PALB2 function in homolgy-directed DNA repair, BRCA1 binding, PARP inhibitor and cisplatin sensitivity, DNA damage response assays (PMID: 28319063, 31586400, 31757951, 31636395, 33964450, 35853885). This variant has been reported in two unrelated individuals affected with breast cancer including co-segregation with disease from mother to daughter in one family (PMID: 28319063, 32185139). This variant has not been identified in the general population by the Genome Aggregation Database (gnomAD). Although there is a suspicion that this variant may be associated with disease, additional studies are necessary to determine the role of this variant in disease conclusively. Therefore, this variant is classified as a Variant of Uncertain Significance.

Myriad Genetics, Inc.
Classification: Likely pathogenic for Familial cancer of breast. Last evaluated: 2023-09-06. Review status: criteria provided, single submitter. Criteria: Myriad Autosomal Dominant, Autosomal Recessive and X-Linked Classification Criteria (2023). Collection method: clinical testing. Allele origin: unknown. Not counted in ClinVar's aggregate classification.
Comment: This variant is considered likely pathogenic. Functional studies indicate this variant impacts protein function [PMID: 28319063]. This variant is expected to disrupt protein structure [PMID: 19369211].

Literature cited by the submitters: PubMed 28319063 (cited by 4 submitters); PubMed 30337689 (cited by Labcorp Genetics (formerly Invitae), Labcorp and Ambry Genetics); PubMed 31586400 (cited by 3 submitters); PubMed 31636395 (cited by 3 submitters); PubMed 31757951 (cited by 3 submitters); PubMed 33169439 (cited by Labcorp Genetics (formerly Invitae), Labcorp); PubMed 33964450 (cited by Labcorp Genetics (formerly Invitae), Labcorp and Color Diagnostics, LLC DBA Color Health); PubMed 31413733 (cited by Ambry Genetics); PubMed 32185139 (cited by Color Diagnostics, LLC DBA Color Health); PubMed 35853885 (cited by Color Diagnostics, LLC DBA Color Health); PubMed 19369211 (cited by Myriad Genetics, Inc.).